The following is an entry in ClinVar:

NM_002894.3(RBBP8):c.1316_1318del (p.Ser439del)

Gene: RBBP8 (RB binding protein 8, endonuclease; plus strand). Cytogenetic location: 18q11.2.
Variant type: Deletion.
Coding change: c.1316_1318del on transcript NM_002894.3 (MANE Select); coding-DNA positions 1316 to 1318, 3 bases deleted (CAT; older notation c.1316_1318delCAT).
Protein change: p.Ser439del; deletes serine 439.
Molecular consequence: inframe deletion.
Genome position (GRCh38, 1-based): chr18:22,993,143-22,993,145, CAT deleted; deleting any 3 consecutive bases within chr18:22,993,141-22,993,145 gives the same sequence; the c. name uses the placement nearest the transcript's 3' end. VCF-style (leftmost placement, unchanged base first): chr18-22993140-AATC-A. GRCh37 (hg19) VCF-style: chr18-20573103-AATC-A.
Other names: c.1316_1318del, p.Ser439del (NM_203291.2, NM_203292.2); short protein forms S439del.
Identifiers: ClinVar variation 1404295 (VCV001404295.4), dbSNP rs772263225, ClinGen allele CA8910047.

ClinVar aggregate classification (germline): Uncertain significance (1 of 4 stars; one submission).

Submission:

Labcorp Genetics (formerly Invitae), Labcorp
Classification: Uncertain significance. Last evaluated: 2024-02-23. Review status: criteria provided, single submitter. Criteria: Invitae Variant Classification Sherloc (09022015). Collection method: clinical testing. Allele origin: germline.
Comment: This variant, c.1316_1318del, results in the deletion of 1 amino acid(s) of the RBBP8 protein (p.Ser439del), but otherwise preserves the integrity of the reading frame. This variant is present in population databases (rs772263225, gnomAD 0.05%). This variant has not been reported in the literature in individuals affected with RBBP8-related conditions. ClinVar contains an entry for this variant (Variation ID: 1404295). Experimental studies and prediction algorithms are not available or were not evaluated, and the functional significance of this variant is currently unknown. In summary, the available evidence is currently insufficient to determine the role of this variant in disease. Therefore, it has been classified as a Variant of Uncertain Significance.